The following is an entry in ClinVar:

ClinVar aggregate classification (germline): Uncertain significance (1 of 4 stars; one submission).

Conditions:
Dyskeratosis congenita, autosomal dominant 2. Identifiers: MedGen C3151443, MONDO:0013521, OMIM 613989.
Idiopathic Pulmonary Fibrosis. Also called: Idiopathic fibrosing alveolitis, chronic form; idiopathic fibrosing alveolitis. Identifiers: Orphanet 2032, MedGen C1800706, MeSH D054990, MONDO:0800504.

Submission:

Labcorp Genetics (formerly Invitae), Labcorp
Classification: Uncertain significance for Dyskeratosis congenita, autosomal dominant 2; Idiopathic Pulmonary Fibrosis. Last evaluated: 2023-03-18. Review status: criteria provided, single submitter. Criteria: Invitae Variant Classification Sherloc (09022015). Collection method: clinical testing. Allele origin: germline.
Comment: Advanced modeling of protein sequence and biophysical properties (such as structural, functional, and spatial information, amino acid conservation, physicochemical variation, residue mobility, and thermodynamic stability) has been performed at Invitae for this missense variant, however the output from this modeling did not meet the statistical confidence thresholds required to predict the impact of this variant on TERT protein function. In summary, the available evidence is currently insufficient to determine the role of this variant in disease. Therefore, it has been classified as a Variant of Uncertain Significance. This sequence change replaces arginine, which is basic and polar, with lysine, which is basic and polar, at codon 195 of the TERT protein (p.Arg195Lys). This variant has not been reported in the literature in individuals affected with TERT-related conditions. This variant is not present in population databases (gnomAD no frequency).

NM_198253.3(TERT):c.584G>A (p.Arg195Lys)

Gene: TERT (telomerase reverse transcriptase; minus strand). Cytogenetic location: 5p15.33.
Variant type: single nucleotide variant.
Coding change: c.584G>A on transcript NM_198253.3 (MANE Select); coding-DNA position 584, G replaced by A.
Protein change: p.Arg195Lys; replaces arginine 195 with lysine.
Molecular consequence: missense variant. On other transcripts: non-coding transcript variant (2).
Genome position (GRCh38, 1-based): chr5:1,294,302, C>T on the plus strand (G>A on the coding strand, the complement: TERT is on the minus strand). VCF-style: chr5-1294302-C-T. GRCh37 (hg19) VCF-style: chr5-1294417-C-T.
Other names: c.584G>A, p.Arg195Lys (NM_001193376.3, NM_003219.1); short protein forms R195K.
Identifiers: ClinVar variation 2945468 (VCV002945468.3), dbSNP rs1265726828, ClinGen allele CA359057308.